The following is an entry in ClinVar:

NM_000057.4(BLM):c.3979G>A (p.Ala1327Thr)

Gene: BLM (BLM RecQ like helicase; plus strand). Cytogenetic location: 15q26.1.
Variant type: single nucleotide variant.
Coding change: c.3979G>A on transcript NM_000057.4 (MANE Select); coding-DNA position 3979, G replaced by A.
Protein change: p.Ala1327Thr; replaces alanine 1327 with threonine.
Molecular consequence: missense variant.
Genome position (GRCh38, 1-based): chr15:90,811,309, G>A. VCF-style: chr15-90811309-G-A. GRCh37 (hg19) VCF-style: chr15-91354539-G-A.
Other names: c.3979G>A, p.Ala1327Thr (NM_001287246.2); c.3586G>A, p.Ala1196Thr (NM_001287247.2); c.2854G>A, p.Ala952Thr (NM_001287248.2); short protein forms A952T, A1196T, A1327T.
Identifiers: ClinVar variation 2857568 (VCV002857568.4), dbSNP rs2151199875, ClinGen allele CA393851017.
Genomic context (GRCh38, chr15:90,811,309, plus strand): 5'-CCCGGAAGAAGTGCCGCTGAGGAGCTCGACGAGGAAATACCCGTATCTTCCCACTACTTT[G>A]CAAGTAAAACCAGAAATGAAAGGAAGAGGAAAAAGATGCCAGCCTCCCAAAGGTCTAAGA-3'
Protein context (NP_000048.1, residues 1317-1337): EEIPVSSHYF[Ala1327Thr]SKTRNERKRK

ClinVar aggregate classification (germline): Conflicting classifications of pathogenicity. Review status: criteria provided, conflicting classifications (1 of 4 stars). 2 submissions from 2 submitters: Uncertain significance (1); Likely benign (1). Last evaluated 2023-12-14.

Conditions:
Hereditary cancer-predisposing syndrome. Also called: Neoplastic Syndromes, Hereditary; Hereditary neoplastic syndrome; Tumor predisposition; Hereditary Cancer Syndrome. Identifiers: Orphanet 140162, MedGen C0027672, MeSH D009386, MONDO:0015356.
Bloom syndrome (BLM). Also called: Bloom-Torre-Machacek syndrome. Identifiers: Orphanet 125, MedGen C0005859, MONDO:0008876, OMIM 210900.

Submissions (2):

Ambry Genetics
Classification: Likely benign for Hereditary cancer-predisposing syndrome. Last evaluated: 2023-12-14. Review status: criteria provided, single submitter. Criteria: Ambry Variant Classification Scheme 2023. Collection method: clinical testing. Allele origin: germline.

Labcorp Genetics (formerly Invitae), Labcorp
Classification: Uncertain significance for Bloom syndrome. Last evaluated: 2023-07-17. Review status: criteria provided, single submitter. Criteria: Invitae Variant Classification Sherloc (09022015). Collection method: clinical testing. Allele origin: germline.
Comment: In summary, the available evidence is currently insufficient to determine the role of this variant in disease. Therefore, it has been classified as a Variant of Uncertain Significance. Advanced modeling of protein sequence and biophysical properties (such as structural, functional, and spatial information, amino acid conservation, physicochemical variation, residue mobility, and thermodynamic stability) performed at Invitae indicates that this missense variant is not expected to disrupt BLM protein function. This variant has not been reported in the literature in individuals affected with BLM-related conditions. This variant is not present in population databases (gnomAD no frequency). This sequence change replaces alanine, which is neutral and non-polar, with threonine, which is neutral and polar, at codon 1327 of the BLM protein (p.Ala1327Thr).